The following is an entry in ClinVar:

NM_020843.4(SCAPER):c.330T>G (p.Leu110=)

Gene: SCAPER (S-phase cyclin A associated protein in the ER; minus strand). Cytogenetic location: 15q24.3.
Variant type: single nucleotide variant.
Coding change: c.330T>G on transcript NM_020843.4 (MANE Select); coding-DNA position 330, T replaced by G.
Protein change: p.Leu110=; no amino-acid change (leucine 110 retained).
Molecular consequence: synonymous variant. On other transcripts: 5 prime UTR variant (4), non-coding transcript variant (1).
Genome position (GRCh38, 1-based): chr15:76,841,797, A>C on the plus strand (T>G on the coding strand, the complement: SCAPER is on the minus strand). VCF-style: chr15-76841797-A-C. GRCh37 (hg19) VCF-style: chr15-77134138-A-C.
Other names: c.330T>G (NM_001353009.1); c.-568T>G (NM_001145923.2); c.330T>G, p.Leu110= (NM_001353009.2); c.-73T>G (NM_001353010.2, NM_001353011.2, NM_001353012.2).
Identifiers: ClinVar variation 755843 (VCV000755843.8), dbSNP rs61736774, ClinGen allele CA7675241.

ClinVar aggregate classification (germline): Benign/Likely benign. Review status: criteria provided, multiple submitters, no conflicts (2 of 4 stars). 4 submissions from 4 submitters: Benign (2); Likely benign (1). 1 of the submissions does not count toward it. Last evaluated 2024-09-07.

Conditions:
SCAPER-related disorder. Also called: SCAPER-related condition.

Allele frequency attached by ClinVar (database versions not stated): gnomAD exomes 0.00015 and 0.00022; ExAC 0.00023; ESP Exome Variant Server 0.00068; 1000 Genomes Project 30x 0.00078; gnomAD 0.00078 and 0.00081; 1000 Genomes Project 0.00080; TOPMed 0.00088.
gnomAD v4.1: 349 of 1,613,956 alleles (0.022%); highest among the groups gnomAD compares: African/African-American, 0.25%; 1 homozygote.

Submissions (4):

Blueprint Genetics
Classification: Likely benign. Last evaluated: 2024-09-07. Review status: criteria provided, single submitter. Criteria: ACMG Guidelines, 2015. Collection method: clinical testing. Allele origin: germline.

Labcorp Genetics (formerly Invitae), Labcorp
Classification: Benign. Last evaluated: 2019-12-31. Review status: criteria provided, single submitter. Criteria: Invitae Variant Classification Sherloc (09022015). Collection method: clinical testing. Allele origin: germline.

Breakthrough Genomics
Classification: Benign. Review status: criteria provided, single submitter. Criteria: ACMG Guidelines, 2015. Collection method: not provided. Allele origin: germline. Inheritance: Autosomal recessive inheritance. Affected: yes.

PreventionGenetics, part of Exact Sciences
Classification: Likely benign for SCAPER-related condition. Last evaluated: 2024-07-29. Review status: no assertion criteria provided. Collection method: clinical testing. Allele origin: germline. Not counted in ClinVar's aggregate classification.
Comment: This variant is classified as likely benign based on ACMG/AMP sequence variant interpretation guidelines (Richards et al. 2015 PMID: 25741868, with internal and published modifications).